The following is an entry in ClinVar:

ClinVar aggregate classification (germline): Uncertain significance (1 of 4 stars; one submission).

Submission:

Ambry Genetics
Classification: Uncertain significance. Last evaluated: 2026-07-13. Review status: criteria provided, single submitter. Criteria: Ambry Variant Classification Scheme 2023. Collection method: clinical testing. Allele origin: germline.
Comment: The p.S189P variant (also known as c.565T>C), located in coding exon 1 of the WNK2 gene, results from a T to C substitution at nucleotide position 565. The serine at codon 189 is replaced by proline, an amino acid with similar properties. This amino acid position is conserved. In addition, the in silico prediction for this alteration is inconclusive. Based on the available evidence, the clinical significance of this variant remains unclear.

NM_006648.4(WNK2):c.565T>C (p.Ser189Pro)

Gene: WNK2 (WNK lysine deficient protein kinase 2; plus strand). Cytogenetic location: 9q22.31.
Variant type: single nucleotide variant.
Coding change: c.565T>C on transcript NM_006648.4 (MANE Select); coding-DNA position 565, T replaced by C.
Protein change: p.Ser189Pro; replaces serine 189 with proline.
Molecular consequence: missense variant.
Genome position (GRCh38, 1-based): chr9:93,185,494, T>C. VCF-style: chr9-93185494-T-C. GRCh37 (hg19) VCF-style: chr9-95947776-T-C.
Other names: c.565T>C, p.Ser189Pro (NM_001282394.3); short protein forms S189P.
Identifiers: ClinVar variation 5031855 (VCV005031855.1).